The following is an entry in ClinVar:

ClinVar aggregate classification (germline): Uncertain significance (1 of 4 stars; one submission).

gnomAD v4.1: 13 of 1,551,758 alleles (0.00084%); highest among the groups gnomAD compares: East Asian, 0.012%; no homozygotes.

Submission:

Labcorp Genetics (formerly Invitae), Labcorp
Classification: Uncertain significance. Last evaluated: 2024-07-24. Review status: criteria provided, single submitter. Criteria: Invitae Variant Classification Sherloc (09022015). Collection method: clinical testing. Allele origin: germline.
Comment: This sequence change replaces leucine, which is neutral and non-polar, with serine, which is neutral and polar, at codon 277 of the DTHD1 protein (p.Leu277Ser). This variant is present in population databases (rs766699282, gnomAD 0.03%). This variant has not been reported in the literature in individuals affected with DTHD1-related conditions. An algorithm developed to predict the effect of missense changes on protein structure and function (PolyPhen-2) suggests that this variant is likely to be disruptive. In summary, the available evidence is currently insufficient to determine the role of this variant in disease. Therefore, it has been classified as a Variant of Uncertain Significance.

NM_001170700.3(DTHD1):c.1700T>C (p.Leu567Ser)

Gene: DTHD1 (death domain containing 1; plus strand). Cytogenetic location: 4p14.
Variant type: single nucleotide variant.
Coding change: c.1700T>C on transcript NM_001170700.3 (MANE Select); coding-DNA position 1700, T replaced by C.
Protein change: p.Leu567Ser; replaces leucine 567 with serine.
Molecular consequence: missense variant. On other transcripts: non-coding transcript variant (2).
Genome position (GRCh38, 1-based): chr4:36,306,247, T>C. VCF-style: chr4-36306247-T-C. GRCh37 (hg19) VCF-style: chr4-36307869-T-C.
Other names: c.830T>C, p.Leu277Ser (NM_001136536.5); c.767T>C, p.Leu256Ser (NM_001378435.1); short protein forms L256S, L277S, L567S.
Identifiers: ClinVar variation 3700774 (VCV003700774.2).
Genomic context (GRCh38, chr4:36,306,247, plus strand): 5'-ATAGGACAAAAATTGCCTCCATAAGAAAACCTAGGAAAAATGCCAGTGAATGTTTGAAAT[T>C]ACTGGGATTCAGAAGCCAAGACAGTGGTTGGTGTGGGCTTGATGATGTTGTGAAAACCAT-3'
Protein context (NP_001164171.2, residues 557-577): PRKNASECLK[Leu567Ser]LGFRSQDSGW